The following is an entry in ClinVar:

NM_003482.4(KMT2D):c.13530+6T>C

Gene: KMT2D (lysine methyltransferase 2D; minus strand). Cytogenetic location: 12q13.12.
Variant type: single nucleotide variant.
Coding change: c.13530+6T>C on transcript NM_003482.4 (MANE Select); 6 bases into the intron after coding-DNA position 13530, T replaced by C.
Molecular consequence: intron variant.
Genome position (GRCh38, 1-based): chr12:49,031,169, A>G on the plus strand (T>C on the coding strand, the complement: KMT2D is on the minus strand). VCF-style: chr12-49031169-A-G. GRCh37 (hg19) VCF-style: chr12-49424952-A-G.
Other names: c.13530+6T>C (NM_003482.3).
Identifiers: ClinVar variation 2158748 (VCV002158748.6), dbSNP rs1942889515, ClinGen allele CA2034945656.

ClinVar aggregate classification (germline): Uncertain significance. Review status: criteria provided, single submitter (1 of 4 stars). 2 submissions from 2 submitters: Uncertain significance (1). 1 of the submissions does not count toward it. Last evaluated 2025-02-25.

Conditions:
KMT2D-related disorder. Also called: KMT2D-Related Disorders.
Kabuki syndrome. Also called: NIIKAWA-KUROKI SYNDROME; Kabuki make-up syndrome. Identifiers: Orphanet 2322, MedGen C0796004, MONDO:0016512.

Allele frequency attached by ClinVar (database versions not stated): gnomAD exomes 0.00001; TOPMed 0.00001.
gnomAD v4.1: 4 of 1,607,018 alleles (0.00025%); highest among the groups gnomAD compares: Admixed American, 0.0017%; no homozygotes.

Submissions (2):

Labcorp Genetics (formerly Invitae), Labcorp
Classification: Uncertain significance for Kabuki syndrome. Last evaluated: 2025-02-25. Review status: criteria provided, single submitter. Criteria: Invitae Variant Classification Sherloc (09022015). Collection method: clinical testing. Allele origin: germline.
Comment: This sequence change falls in intron 39 of the KMT2D gene. It does not directly change the encoded amino acid sequence of the KMT2D protein. It affects a nucleotide within the consensus splice site. This variant is not present in population databases (gnomAD no frequency). This variant has not been reported in the literature in individuals affected with KMT2D-related conditions. ClinVar contains an entry for this variant (Variation ID: 2158748). Variants that disrupt the consensus splice site are a relatively common cause of aberrant splicing (PMID: 17576681, 9536098). Algorithms developed to predict the effect of sequence changes on RNA splicing suggest that this variant is not likely to affect RNA splicing. In summary, the available evidence is currently insufficient to determine the role of this variant in disease. Therefore, it has been classified as a Variant of Uncertain Significance.

PreventionGenetics, part of Exact Sciences
Classification: Likely benign for KMT2D-related condition. Last evaluated: 2022-04-21. Review status: no assertion criteria provided. Collection method: clinical testing. Allele origin: germline. Not counted in ClinVar's aggregate classification.
Comment: This variant is classified as likely benign based on ACMG/AMP sequence variant interpretation guidelines (Richards et al. 2015 PMID: 25741868, with internal and published modifications).

Literature cited by the submitters: PubMed 17576681 (cited by Labcorp Genetics (formerly Invitae), Labcorp); PubMed 9536098 (cited by Labcorp Genetics (formerly Invitae), Labcorp).